The following is an entry in ClinVar:

NM_001009944.3(PKD1):c.3767C>T (p.Pro1256Leu)

Gene: PKD1 (polycystin 1, transient receptor potential channel interacting; minus strand). Cytogenetic location: 16p13.3.
Variant type: single nucleotide variant.
Coding change: c.3767C>T on transcript NM_001009944.3 (MANE Select); coding-DNA position 3767, C replaced by T.
Protein change: p.Pro1256Leu; replaces proline 1256 with leucine.
Molecular consequence: missense variant.
Genome position (GRCh38, 1-based): chr16:2,111,400, G>A on the plus strand (C>T on the coding strand, the complement: PKD1 is on the minus strand). VCF-style: chr16-2111400-G-A. GRCh37 (hg19) VCF-style: chr16-2161401-G-A.
Other names: c.3767C>T, p.Pro1256Leu (NM_000296.4); short protein forms P1256L.
Identifiers: ClinVar variation 2599182 (VCV002599182.5), dbSNP rs149156000, ClinGen allele CA7832639.

ClinVar aggregate classification (germline): Uncertain significance. Review status: criteria provided, multiple submitters, no conflicts (2 of 4 stars). 3 submissions from 3 submitters: Uncertain significance (3). Last evaluated 2026-03-12.

Conditions:
Polycystic kidney disease, adult type (PKD1). Also called: POLYCYSTIC KIDNEY DISEASE, ADULT, TYPE I; Polycystic Kidney Disease 1, Autosomal Dominant; Polycystic kidney disease 1; Polycystic kidney disease 1, severe; Polycystic Kidney, Autosomal Dominant; POLYCYSTIC KIDNEY DISEASE 1 WITH OR WITHOUT POLYCYSTIC LIVER DISEASE. Identifiers: MedGen C3149841, MONDO:0008263, OMIM 173900.
Inborn genetic diseases. Identifiers: MedGen C0950123, MeSH D030342.

Allele frequency attached by ClinVar (database versions not stated): TOPMed 0.00003; ExAC 0.00003; gnomAD 0.00001; ESP Exome Variant Server 0.00008.
gnomAD v4.1: 25 of 1,611,560 alleles (0.0016%); highest among the groups gnomAD compares: East Asian, 0.0045%; no homozygotes.

Submissions (3):

Victorian Clinical Genetics Services, Murdoch Childrens Research Institute
Classification: Uncertain significance for Polycystic kidney disease, adult type. Last evaluated: 2026-03-12. Review status: criteria provided, single submitter. Criteria: ACMG Guidelines, 2015. Collection method: clinical testing. Allele origin: germline. Affected: yes.
Comment: This variant is classified as VUS-3B. Evidence in support of pathogenic classification: Variant is present in gnomAD <0.001 for a dominant condition (v4: 25 heterozygote(s), 0 homozygote(s)). Additional information: Variant is predicted to result in a missense amino acid change from Pro to Leu; This variant is heterozygous; This gene is associated with autosomal dominant disease. Polycystic kidney disease 1 (MIM#173900) is predominantly caused by monoallelic variants, with rare reports of biallelic variants causing disease (OMIM); Alternative amino acid change(s) at the same position are present in gnomAD (highest allele count: v4: 6 heterozygote(s), 0 homozygote(s)); Previous evidence of pathogenicity for this variant is inconclusive. This variant has been classified as a VUS by clinical laboratories in ClinVar. - No published evidence of segregation with disease has been identified for this variant; No published functional evidence has been identified for this variant; No comparable missense variants have previous evidence for pathogenicity; Variant is located in the annotated PKD domain (DECIPHER). - Missense variant with inconclusive in silico prediction and/or uninformative conservation; Loss of function is a known mechanism of disease in this gene and is associated with polycystic kidney disease 1 (MIM#173900); Inheritance information for this variant is not currently available in this individual.

Ambry Genetics
Classification: Uncertain significance for Inborn genetic diseases. Last evaluated: 2025-08-13. Review status: criteria provided, single submitter. Criteria: Ambry Variant Classification Scheme 2023. Collection method: clinical testing. Allele origin: germline.

Fulgent Genetics
Classification: Uncertain significance for Polycystic kidney disease, adult type. Last evaluated: 2024-01-24. Review status: criteria provided, single submitter. Criteria: ACMG Guidelines, 2015. Collection method: clinical testing. Allele origin: germline.